The following is an entry in ClinVar:

NM_001358235.2(DCHS2):c.2802C>T (p.Thr934=)

Gene: DCHS2 (dachsous cadherin-related 2; minus strand). Cytogenetic location: 4q31.3.
Variant type: single nucleotide variant.
Coding change: c.2802C>T on transcript NM_001358235.2 (MANE Select); coding-DNA position 2802, C replaced by T.
Protein change: p.Thr934=; no amino-acid change (threonine 934 retained).
Molecular consequence: synonymous variant.
Genome position (GRCh38, 1-based): chr4:154,333,406, G>A on the plus strand (C>T on the coding strand, the complement: DCHS2 is on the minus strand). VCF-style: chr4-154333406-G-A. GRCh37 (hg19) VCF-style: chr4-155254558-G-A.
Other names: c.2802C>T, p.Thr934= (NM_001142552.2, NM_001412223.1).
Identifiers: ClinVar variation 3040840 (VCV003040840.2), dbSNP rs28607083, ClinGen allele CA3113353.
Genomic context (GRCh38, chr4:154,333,406, plus strand): 5'-GAGCTGCGCCTGCACCGTGAGCACAACCACGGGCTGCGTCTCGTGATCCAGGGGCTTCCG[G>A]GTGCGAATAGTGCCCAGCCGCGGGTGAATGGAGAACTTTCCGCCGAGATCACCAGAAGAA-3'
Protein context (NP_001345164.1, residues 924-944): SIHPRLGTIR[Thr934=]RKPLDHETQP

ClinVar aggregate classification (germline): Benign (0 of 4 stars; one submission).

Conditions:
DCHS2-related disorder. Also called: DCHS2-related condition.

Allele frequency attached by ClinVar (database versions not stated): gnomAD exomes 0.00055; ExAC 0.00162; gnomAD 0.00478; ESP Exome Variant Server 0.00592; 1000 Genomes Project 0.00699; 1000 Genomes Project 30x 0.00718.
gnomAD v4.1: 1,571 of 1,614,096 alleles (0.097%); highest among the groups gnomAD compares: African/African-American, 1.8%; 10 homozygotes.

Submission:

PreventionGenetics, part of Exact Sciences
Classification: Benign for DCHS2-related condition. Last evaluated: 2019-09-19. Review status: no assertion criteria provided. Collection method: clinical testing. Allele origin: germline.
Comment: This variant is classified as benign based on ACMG/AMP sequence variant interpretation guidelines (Richards et al. 2015 PMID: 25741868, with internal and published modifications).